The following is an entry in ClinVar:

ClinVar aggregate classification (germline): Uncertain significance. Review status: criteria provided, multiple submitters, no conflicts (2 of 4 stars). 2 submissions from 2 submitters: Uncertain significance (2). Last evaluated 2025-04-10.

Conditions:
Inborn genetic diseases. Identifiers: MedGen C0950123, MeSH D030342.

Allele frequency attached by ClinVar (database versions not stated): gnomAD 0.00040 and 0.00038; TOPMed 0.00039; 1000 Genomes Project 30x 0.00047; gnomAD exomes 0.00031; 1000 Genomes Project 0.00040; ESP Exome Variant Server 0.00054; ExAC 0.00026.
gnomAD v4.1: 809 of 1,614,172 alleles (0.05%); highest among the groups gnomAD compares: Non-Finnish European, 0.062%; no homozygotes.

Submissions (2):

Ambry Genetics
Classification: Uncertain significance for Inborn genetic diseases. Last evaluated: 2025-04-10. Review status: criteria provided, single submitter. Criteria: Ambry Variant Classification Scheme 2023. Collection method: clinical testing. Allele origin: germline.

Labcorp Genetics (formerly Invitae), Labcorp
Classification: Uncertain significance. Last evaluated: 2022-08-20. Review status: criteria provided, single submitter. Criteria: Invitae Variant Classification Sherloc (09022015). Collection method: clinical testing. Allele origin: germline.
Comment: This sequence change replaces isoleucine, which is neutral and non-polar, with valine, which is neutral and non-polar, at codon 833 of the MBTPS1 protein (p.Ile833Val). This variant is present in population databases (rs145091497, gnomAD 0.05%). This variant has not been reported in the literature in individuals affected with MBTPS1-related conditions. ClinVar contains an entry for this variant (Variation ID: 1437537). Algorithms developed to predict the effect of missense changes on protein structure and function (SIFT, PolyPhen-2, Align-GVGD) all suggest that this variant is likely to be tolerated. In summary, the available evidence is currently insufficient to determine the role of this variant in disease. Therefore, it has been classified as a Variant of Uncertain Significance.

NM_003791.4(MBTPS1):c.2497A>G (p.Ile833Val)

Gene: MBTPS1 (membrane bound transcription factor peptidase, site 1; minus strand). Cytogenetic location: 16q23.3.
Variant type: single nucleotide variant.
Coding change: c.2497A>G on transcript NM_003791.4 (MANE Select); coding-DNA position 2497, A replaced by G.
Protein change: p.Ile833Val; replaces isoleucine 833 with valine.
Molecular consequence: missense variant.
Genome position (GRCh38, 1-based): chr16:84,063,380, T>C on the plus strand (A>G on the coding strand, the complement: MBTPS1 is on the minus strand). VCF-style: chr16-84063380-T-C. GRCh37 (hg19) VCF-style: chr16-84096985-T-C.
Other names: c.2497A>G (NM_003791.2); short protein forms I833V.
Identifiers: ClinVar variation 1437537 (VCV001437537.5), dbSNP rs145091497, ClinGen allele CA8200869.
Genomic context (GRCh38, chr16:84,063,380, plus strand): 5'-TGTCATCCAAGCAATTGGAGTCCCCATACAGTACAATCCGGCCTCCACCCTCAGCTGGAA[T>C]CTGATAAAGTCCCAAAATGGGGACGTTTTCAACAACTGCTGTTTCCTGCTTTAAAACCTC-3'
Protein context (NP_003782.1, residues 823-843): ENVPILGLYQ[Ile833Val]PAEGGGRIVL